The following is an entry in ClinVar:

ClinVar aggregate classification (germline): Uncertain significance (1 of 4 stars; one submission).

Conditions:
Familial adenomatous polyposis 1 (FAP1). Also called: POLYPOSIS, ADENOMATOUS INTESTINAL; FAMILIAL ADENOMATOUS POLYPOSIS 1, ATTENUATED. Identifiers: MedGen C2713442, MONDO:0021056, OMIM 175100. Disease mechanism: loss of function.

Submission:

Labcorp Genetics (formerly Invitae), Labcorp
Classification: Uncertain significance for Familial adenomatous polyposis 1. Last evaluated: 2025-01-13. Review status: criteria provided, single submitter. Criteria: Invitae Variant Classification Sherloc (09022015). Collection method: clinical testing. Allele origin: germline.
Comment: This sequence change replaces methionine, which is neutral and non-polar, with valine, which is neutral and non-polar, at codon 2068 of the APC protein (p.Met2068Val). This variant is not present in population databases (gnomAD no frequency). This variant has not been reported in the literature in individuals affected with APC-related conditions. ClinVar contains an entry for this variant (Variation ID: 2134366). Invitae Evidence Modeling of protein sequence and biophysical properties (such as structural, functional, and spatial information, amino acid conservation, physicochemical variation, residue mobility, and thermodynamic stability) indicates that this missense variant is not expected to disrupt APC protein function with a negative predictive value of 95%. In summary, the available evidence is currently insufficient to determine the role of this variant in disease. Therefore, it has been classified as a Variant of Uncertain Significance.

NM_000038.6(APC):c.6202A>G (p.Met2068Val)

Gene: APC (APC regulator of Wnt signaling pathway; plus strand). Cytogenetic location: 5q22.2.
Variant type: single nucleotide variant.
Coding change: c.6202A>G on transcript NM_000038.6 (MANE Select); coding-DNA position 6202, A replaced by G.
Protein change: p.Met2068Val; replaces methionine 2068 with valine.
Molecular consequence: missense variant.
Genome position (GRCh38, 1-based): chr5:112,841,796, A>G. VCF-style: chr5-112841796-A-G. GRCh37 (hg19) VCF-style: chr5-112177493-A-G.
Other names: c.6202A>G, p.Met2068Val (NM_001127510.3, NM_001354895.2, NM_001407450.1); c.6148A>G, p.Met2050Val (NM_001127511.3); c.6256A>G, p.Met2086Val (NM_001354896.2, NM_001407447.1, NM_001407448.1 and 1 more transcripts); c.6232A>G, p.Met2078Val (NM_001354897.2); c.6127A>G, p.Met2043Val (NM_001354898.2); c.6118A>G, p.Met2040Val (NM_001354899.2); c.6079A>G, p.Met2027Val (NM_001354900.2); c.6025A>G, p.Met2009Val (NM_001354901.2, NM_001407453.1); and 11 more; short protein forms M1939V, M1977V, M2009V, M2027V, M2050V, M2078V, M2096V, M1684V.
Identifiers: ClinVar variation 2134366 (VCV002134366.3), dbSNP rs1160204218, ClinGen allele CA16034917.